The following is an entry in ClinVar:

ClinVar aggregate classification (germline): Likely pathogenic (1 of 4 stars; one submission).

gnomAD v4.1: 16 of 1,614,000 alleles (0.00099%); highest among the groups gnomAD compares: African/African-American, 0.0053%; no homozygotes.

Submission:

Mayo Clinic Laboratories, Mayo Clinic
Classification: Likely pathogenic. Last evaluated: 2024-07-25. Review status: criteria provided, single submitter. Criteria: ACMG Guidelines, 2015. Collection method: clinical testing. Allele origin: germline. Observed: 1 variant allele.
Comment: PM2, PVS1

NM_001082538.3(TCTN1):c.1455G>A (p.Trp485Ter)

Gene: TCTN1 (tectonic family member 1; plus strand). Cytogenetic location: 12q24.11.
Variant type: single nucleotide variant.
Coding change: c.1455G>A on transcript NM_001082538.3 (MANE Select); coding-DNA position 1455, G replaced by A.
Protein change: p.Trp485Ter; replaces tryptophan 485 with a stop codon.
Molecular consequence: nonsense. On other transcripts: non-coding transcript variant (1).
Genome position (GRCh38, 1-based): chr12:110,645,090, G>A. VCF-style: chr12-110645090-G-A. GRCh37 (hg19) VCF-style: chr12-111082895-G-A.
Other names: p.Trp485*; c.1455G>A, p.Trp485Ter (NM_001082537.3); c.1287G>A, p.Trp429Ter (NM_001173975.3); c.1128G>A, p.Trp376Ter (NM_001173976.2); c.1308G>A, p.Trp436Ter (NM_001319680.2); c.921G>A, p.Trp307Ter (NM_001319681.2); c.1413G>A, p.Trp471Ter (NM_024549.6); short protein forms W307*, W376*, W429*, W436*, W471*, W485*.
Identifiers: ClinVar variation 3381094 (VCV003381094.1).